The following is an entry in ClinVar:

NM_017946.4(FKBP14):c.524T>A (p.Val175Glu)

Genes: FKBP14 (FKBP prolyl isomerase 14; minus strand), FKBP14-AS1 (FKBP14 antisense RNA 1; plus strand). Cytogenetic location: 7p14.3.
Variant type: single nucleotide variant.
Coding change: c.524T>A on transcript NM_017946.4 (MANE Select); coding-DNA position 524, T replaced by A.
Protein change: p.Val175Glu; replaces valine 175 with glutamic acid.
Molecular consequence: missense variant. On other transcripts: non-coding transcript variant (2).
Genome position (GRCh38, 1-based): chr7:30,014,847, A>T on the plus strand (T>A on the coding strand, the complement: FKBP14 is on the minus strand). VCF-style: chr7-30014847-A-T. GRCh37 (hg19) VCF-style: chr7-30054463-A-T.
Other names: short protein forms V175E.
Identifiers: ClinVar variation 3227103 (VCV003227103.1), dbSNP rs1057282546, ClinGen allele CA155998173.

ClinVar aggregate classification (germline): Uncertain significance (1 of 4 stars; one submission).

Conditions:
Cardiovascular phenotype. Identifiers: MedGen CN230736.

Allele frequency attached by ClinVar (database versions not stated): TOPMed below 0.00001.

Submission:

Ambry Genetics
Classification: Uncertain significance for Cardiovascular phenotype. Last evaluated: 2024-02-22. Review status: criteria provided, single submitter. Criteria: Ambry Variant Classification Scheme 2023. Collection method: clinical testing. Allele origin: germline.
Comment: The p.V175E variant (also known as c.524T>A), located in coding exon 4 of the FKBP14 gene, results from a T to A substitution at nucleotide position 524. The valine at codon 175 is replaced by glutamic acid, an amino acid with dissimilar properties. This amino acid position is conserved. In addition, the in silico prediction for this alteration is inconclusive. Based on the available evidence, the clinical significance of this alteration remains unclear.